The following is an entry in ClinVar:

NM_001267550.2(TTN):c.105787G>T (p.Ala35263Ser)

Genes: TTN (titin; minus strand), TTN-AS1 (TTN antisense RNA 1; plus strand), LOC129935183 (ATAC-STARR-seq lymphoblastoid active region 16808; plus strand). Cytogenetic location: 2q31.2.
Variant type: single nucleotide variant.
Coding change: c.105787G>T on transcript NM_001267550.2 (MANE Select); coding-DNA position 105787, G replaced by T.
Protein change: p.Ala35263Ser; replaces alanine 35263 with serine.
Molecular consequence: missense variant.
Genome position (GRCh38, 1-based): chr2:178,530,828, C>A on the plus strand (G>T on the coding strand, the complement: TTN is on the minus strand). VCF-style: chr2-178530828-C-A. GRCh37 (hg19) VCF-style: chr2-179395555-C-A.
Other names: p.A32695S:GCC>TCC; p.Ala33622Ser; c.100864G>T, p.Ala33622Ser (NM_001256850.1); c.98083G>T, p.Ala32695Ser (NM_133378.4); c.78592G>T, p.Ala26198Ser (NM_003319.4); c.78967G>T, p.Ala26323Ser (NM_133432.3); c.79168G>T, p.Ala26390Ser (NM_133437.4); short protein forms A35263S, A32695S, A33622S, A26323S, A26198S, A26390S.
Identifiers: ClinVar variation 47701 (VCV000047701.45), dbSNP rs67254537, ClinGen allele CA284353.
Genomic context (GRCh38, chr2:178,530,828, plus strand): 5'-AGACTGGGAGGTGCTGAACTTTCTCTGTTGGTGTTGGTTTTGTCTCTGTGGGTGATACGG[C>A]TTTCGGGTGAGAAGGTTCTGGAGATTTCACTCGTTTTGGAGACTTAACTGCTTCTGGGGA-3'
Protein context (NP_001254479.2, residues 35253-35273): VKSPEPSHPK[Ala35263Ser]VSPTETKPTP

ClinVar aggregate classification (germline): Benign/Likely benign. Review status: criteria provided, multiple submitters, no conflicts (2 of 4 stars). 27 submissions from 20 submitters: Benign (13); Likely benign (8). 6 of the submissions do not count toward it. Last evaluated 2025-05-01.

Conditions:
Cardiovascular phenotype. Identifiers: MedGen CN230736.
Cardiomyopathy (CMYO). Also called: Cardiomyopathies. Identifiers: Orphanet 167848, MedGen C0878544, MONDO:0004994, HP:0001638. Inheritance: Various modes of inheritance.
Early-onset myopathy with fatal cardiomyopathy (CMYO5). Also called: Salih Myopathy; CONGENITAL MYOPATHY 5 WITH CARDIOMYOPATHY. Identifiers: Orphanet 289377, MedGen C2673677, MONDO:0012714, OMIM 611705. Disease mechanism: loss of function.
Myopathy, myofibrillar, 9, with early respiratory failure (MFM9). Also called: Hereditary myopathy with early respiratory failure; EDSTROM MYOPATHY; MYOPATHY, PROXIMAL, WITH EARLY RESPIRATORY MUSCLE INVOLVEMENT; Myopathy, distal, with early respiratory failure, autosomal dominant. Identifiers: Orphanet 178464, Orphanet 34521, MedGen C1863599, MONDO:0011362, OMIM 603689.
Autosomal recessive limb-girdle muscular dystrophy type 2J (LGMDR10). Also called: Limb-girdle muscular dystrophy, type 2J; MUSCULAR DYSTROPHY, LIMB-GIRDLE, AUTOSOMAL RECESSIVE 10. Identifiers: Orphanet 140922, MedGen C1837342, MONDO:0012127, OMIM 608807.
Tibial muscular dystrophy (TMD). Also called: UDD MYOPATHY; Udd Distal Myopathy – Tibial Muscular Dystrophy; Tibial muscular dystrophy, tardive. Identifiers: Orphanet 609, MedGen C1838244, MONDO:0010870, OMIM 600334.
Dilated cardiomyopathy 1G (CMD1G). Identifiers: Orphanet 154, MedGen C1858763, MONDO:0011400, OMIM 604145.

Allele frequency attached by ClinVar (database versions not stated): 1000 Genomes Project 0.00519; 1000 Genomes Project 30x 0.00531; TOPMed 0.00868; gnomAD 0.01037 and 0.01080; ESP Exome Variant Server 0.01046; gnomAD exomes 0.01090 and 0.01392; ExAC 0.01134.
gnomAD v4.1: 21,768 of 1,613,764 alleles (1.3%); highest among the groups gnomAD compares: Non-Finnish European, 1.6%; 188 homozygotes.

Submissions (27):

ARUP Laboratories, Molecular Genetics and Genomics, ARUP Laboratories
Classification: Benign. Last evaluated: 2025-05-01. Review status: criteria provided, single submitter. Criteria: ARUP Molecular Germline Variant Investigation Process 2024. Collection method: clinical testing. Allele origin: germline.

Molecular Diagnostic Laboratory for Inherited Cardiovascular Disease, Montreal Heart Institute
Classification: Likely benign. Last evaluated: 2025-04-09. Review status: criteria provided, single submitter. Criteria: ACMG Guidelines, 2015. Collection method: clinical testing. Allele origin: germline. Affected: no.

Blueprint Genetics
Classification: Likely benign. Last evaluated: 2024-11-26. Review status: criteria provided, single submitter. Criteria: ACMG Guidelines, 2015. Collection method: clinical testing. Allele origin: germline.

Women's Health and Genetics/Laboratory Corporation of America, LabCorp
Classification: Likely benign. Last evaluated: 2024-06-17. Review status: criteria provided, single submitter. Criteria: LabCorp Variant Classification Summary - May 2015. Collection method: clinical testing. Allele origin: germline.

Mayo Clinic Laboratories, Mayo Clinic
Classification: Benign. Last evaluated: 2023-02-14. Review status: criteria provided, single submitter. Criteria: ACMG Guidelines, 2015. Collection method: clinical testing. Allele origin: germline. Observed: 33 variant alleles.
Comment: BS1, BS2, BP4

CHEO Genetics Diagnostic Laboratory, Children's Hospital of Eastern Ontario
Classification: Benign for Cardiomyopathy. Last evaluated: 2022-11-18. Review status: criteria provided, single submitter. Criteria: ACMG Guidelines, 2015. Collection method: clinical testing. Allele origin: germline.

Genome-Nilou Lab
Classification: Benign for Autosomal recessive limb-girdle muscular dystrophy type 2J. Last evaluated: 2021-09-10. Review status: criteria provided, single submitter. Criteria: ACMG Guidelines, 2015. Collection method: clinical testing. Allele origin: germline. Affected: no.

Genome-Nilou Lab
Classification: Benign for Myopathy, myofibrillar, 9, with early respiratory failure. Last evaluated: 2021-09-10. Review status: criteria provided, single submitter. Criteria: ACMG Guidelines, 2015. Collection method: clinical testing. Allele origin: germline. Affected: no.

Genome-Nilou Lab
Classification: Benign for Early-onset myopathy with fatal cardiomyopathy. Last evaluated: 2021-09-10. Review status: criteria provided, single submitter. Criteria: ACMG Guidelines, 2015. Collection method: clinical testing. Allele origin: germline. Affected: no.

Genome-Nilou Lab
Classification: Benign for Tibial muscular dystrophy. Last evaluated: 2021-09-10. Review status: criteria provided, single submitter. Criteria: ACMG Guidelines, 2015. Collection method: clinical testing. Allele origin: germline. Affected: no.

Illumina Laboratory Services, Illumina
Classification: Likely benign for Dilated cardiomyopathy 1G. Last evaluated: 2018-01-13. Review status: criteria provided, single submitter. Criteria: ICSL Variant Classification Criteria 13 December 2019. Collection method: clinical testing. Allele origin: germline.
Comment: This variant was observed in the ICSL laboratory as part of a predisposition screen in an ostensibly healthy population. It had not been previously curated by ICSL or reported in the Human Gene Mutation Database (HGMD: prior to June 1st, 2018), and was therefore a candidate for classification through an automated scoring system. Utilizing variant allele frequency, disease prevalence and penetrance estimates, and inheritance mode, an automated score was calculated to assess if this variant is too frequent to cause the disease. Based on the score and internal cut-off values, a variant classified as likely benign is not then subjected to further curation. The score for this variant resulted in a classification of likely benign for this disease.

Illumina Laboratory Services, Illumina
Classification: Benign for Tibial muscular dystrophy. Last evaluated: 2018-01-13. Review status: criteria provided, single submitter. Criteria: ICSL Variant Classification Criteria 13 December 2019. Collection method: clinical testing. Allele origin: germline.
Comment: This variant was observed in the ICSL laboratory as part of a predisposition screen in an ostensibly healthy population. It had not been previously curated by ICSL or reported in the Human Gene Mutation Database (HGMD: prior to June 1st, 2018), and was therefore a candidate for classification through an automated scoring system. Utilizing variant allele frequency, disease prevalence and penetrance estimates, and inheritance mode, an automated score was calculated to assess if this variant is too frequent to cause the disease. Based on the score and internal cut-off values, a variant classified as benign is not then subjected to further curation. The score for this variant resulted in a classification of benign for this disease.

Illumina Laboratory Services, Illumina
Classification: Likely benign for Early-onset myopathy with fatal cardiomyopathy. Last evaluated: 2018-01-13. Review status: criteria provided, single submitter. Criteria: ICSL Variant Classification Criteria 13 December 2019. Collection method: clinical testing. Allele origin: germline.
Comment: the same text as in the submission from Illumina Laboratory Services, Illumina above.

Illumina Laboratory Services, Illumina
Classification: Benign for Myopathy, myofibrillar, 9, with early respiratory failure. Last evaluated: 2018-01-13. Review status: criteria provided, single submitter. Criteria: ICSL Variant Classification Criteria 13 December 2019. Collection method: clinical testing. Allele origin: germline.
Comment: the same text as in the submission from Illumina Laboratory Services, Illumina above.

Illumina Laboratory Services, Illumina
Classification: Likely benign for Autosomal recessive limb-girdle muscular dystrophy type 2J. Last evaluated: 2018-01-13. Review status: criteria provided, single submitter. Criteria: ICSL Variant Classification Criteria 13 December 2019. Collection method: clinical testing. Allele origin: germline.
Comment: the same text as in the submission from Illumina Laboratory Services, Illumina above.

Biesecker Lab/Clinical Genomics Section, National Institutes of Health
Classification: Benign. Last evaluated: 2013-06-24. Review status: criteria provided, single submitter. Criteria: Ng et al. (Circ Cardiovasc Genet. 2013). Collection method: research. Allele origin: unknown. Observed: 12 variant alleles. Study: ClinSeq.
Comment: The study set was not selected for affection status in relation to any cancer. Pathogenicity categories were based on literature curation. See Pubmed ID:23861362 for details.

Medical sequencing

Ambry Genetics
Classification: Likely benign for Cardiovascular phenotype. Last evaluated: 2012-11-28. Review status: criteria provided, single submitter. Criteria: Ambry Autosomal Dominant and X-Linked criteria (10/2015). Collection method: clinical testing. Allele origin: germline. Observed: 1 variant allele.

GeneDx
Classification: Benign. Last evaluated: 2012-10-24. Review status: criteria provided, single submitter. Criteria: GeneDx Variant Classification (06012015). Collection method: clinical testing. Allele origin: germline. Affected: yes.
Comment: This variant is considered likely benign or benign based on one or more of the following criteria: it is a conservative change, it occurs at a poorly conserved position in the protein, it is predicted to be benign by multiple in silico algorithms, and/or has population frequency not consistent with disease.

Laboratory for Molecular Medicine, Mass General Brigham Personalized Medicine
Classification: Benign. Last evaluated: 2012-03-26. Review status: criteria provided, single submitter. Criteria: LMM Criteria. Collection method: clinical testing. Allele origin: germline. Observed: 44 variant alleles.
Comment: Ala32695Ser & Ala32695Val in exon 307 of TTN: These variants are not expected to have clinical significance because they have been independently described in th e same populations, at the same frequency, and alter adjacent bases and may repr esent a single allele (Ala32695Phe). These variants have each been identified in 1.3% (89/6634) of European American chromosomes from a broad population by the NHLBI Exome Sequencing Project (dbSNP rs672545 37 & rs66961115).

Breakthrough Genomics
Classification: Likely benign. Review status: criteria provided, single submitter. Criteria: ACMG Guidelines, 2015. Collection method: not provided. Allele origin: germline. Inheritance: Autosomal recessive inheritance. Affected: yes.

PreventionGenetics, part of Exact Sciences
Classification: Benign. Review status: criteria provided, single submitter. Criteria: ACMG Guidelines, 2015. Collection method: clinical testing. Allele origin: germline.

Clinical Genetics, Academic Medical Center
Classification: Benign. Review status: no assertion criteria provided. Collection method: clinical testing. Allele origin: germline. Affected: yes. Study: VKGL Data-share Consensus. Not counted in ClinVar's aggregate classification.

Diagnostic Laboratory, Department of Genetics, University Medical Center Groningen
Classification: Likely benign. Review status: no assertion criteria provided. Collection method: clinical testing. Allele origin: germline. Affected: yes. Study: VKGL Data-share Consensus. Not counted in ClinVar's aggregate classification.

Genetic Services Laboratory, University of Chicago
Classification: Likely benign for AllHighlyPenetrant. Review status: no assertion criteria provided. Collection method: clinical testing. Allele origin: germline. Not counted in ClinVar's aggregate classification.
Comment: Likely benign based on allele frequency in 1000 Genomes Project or ESP global frequency and its presence in a patient with a rare or unrelated disease phenotype. NOT Sanger confirmed.

Genome Diagnostics Laboratory, University Medical Center Utrecht
Classification: Benign. Review status: no assertion criteria provided. Collection method: clinical testing. Allele origin: germline. Affected: yes. Study: VKGL Data-share Consensus. Not counted in ClinVar's aggregate classification.

Joint Genome Diagnostic Labs from Nijmegen and Maastricht, Radboudumc and MUMC+
Classification: Benign. Review status: no assertion criteria provided. Collection method: clinical testing. Allele origin: germline. Affected: yes. Study: VKGL Data-share Consensus. Not counted in ClinVar's aggregate classification.

Laboratory of Diagnostic Genome Analysis, Leiden University Medical Center (LUMC)
Classification: Likely benign. Review status: no assertion criteria provided. Collection method: clinical testing. Allele origin: germline. Affected: yes. Study: VKGL Data-share Consensus. Not counted in ClinVar's aggregate classification.